The following is an entry in ClinVar:

ClinVar aggregate classification (germline): Uncertain significance (1 of 4 stars; one submission).

Conditions:
Long QT syndrome (LQTS). Identifiers: MedGen C0023976, MeSH D008133, MONDO:0002442. Disease mechanism: loss of function. Inheritance: Various modes of inheritance.

Submission:

Labcorp Genetics (formerly Invitae), Labcorp
Classification: Uncertain significance for Long QT syndrome. Last evaluated: 2024-06-11. Review status: criteria provided, single submitter. Criteria: Invitae Variant Classification Sherloc (09022015). Collection method: clinical testing. Allele origin: germline.
Comment: This sequence change replaces glycine, which is neutral and non-polar, with alanine, which is neutral and non-polar, at codon 2031 of the CACNA1C protein (p.Gly2031Ala). This variant is not present in population databases (gnomAD no frequency). This variant has not been reported in the literature in individuals affected with CACNA1C-related conditions. Advanced modeling of protein sequence and biophysical properties (such as structural, functional, and spatial information, amino acid conservation, physicochemical variation, residue mobility, and thermodynamic stability) performed at Invitae indicates that this missense variant is not expected to disrupt CACNA1C protein function with a negative predictive value of 95%. In summary, the available evidence is currently insufficient to determine the role of this variant in disease. Therefore, it has been classified as a Variant of Uncertain Significance.

NM_000719.7(CACNA1C):c.6092G>C (p.Gly2031Ala)

Genes: CACNA1C-AS1 (CACNA1C antisense RNA 1; minus strand), CACNA1C (calcium voltage-gated channel subunit alpha1 C; plus strand). Cytogenetic location: 12p13.33.
Variant type: single nucleotide variant.
Coding change: c.6092G>C on transcript NM_000719.7 (MANE Select); coding-DNA position 6092, G replaced by C.
Protein change: p.Gly2031Ala; replaces glycine 2031 with alanine.
Molecular consequence: missense variant.
Genome position (GRCh38, 1-based): chr12:2,688,754, G>C. VCF-style: chr12-2688754-G-C. GRCh37 (hg19) VCF-style: chr12-2797920-G-C.
Other names: c.6143G>C, p.Gly2048Ala (NM_001129836.2); c.6116G>C, p.Gly2039Ala (NM_001129837.2, NM_001129838.2); c.6110G>C, p.Gly2037Ala (NM_001129839.2); c.6092G>C, p.Gly2031Ala (NM_001129840.2, NM_001129841.2, NM_001129842.2 and 2 more transcripts); c.6083G>C, p.Gly2028Ala (NM_001129844.2); c.6197G>C, p.Gly2066Ala (NM_001129830.3, NM_001167624.3); c.6176G>C, p.Gly2059Ala (NM_001129831.2); c.6152G>C, p.Gly2051Ala (NM_001129832.2); and 6 more; short protein forms G2072A, G2028A, G2039A, G2048A, G2066A, G2031A, G2037A, G2050A.
Identifiers: ClinVar variation 3635032 (VCV003635032.2).
Genomic context (GRCh38, chr12:2,688,754, plus strand): 5'-TCCGGCCCGTCTCCCTCATGGTGCCCAGCCAGGCTGGGGCCCCAGGGAGGCAGTTCCACG[G>C]CAGTGCCAGCAGCCTGGTGGAAGCGGTAGGTGACTCGCAGATGGGCAGGGGGGAGAGGCC-3'
Protein context (NP_000710.5, residues 2021-2041): QAGAPGRQFH[Gly2031Ala]SASSLVEAVL